The following is an entry in ClinVar:

ClinVar aggregate classification (germline): Uncertain significance (1 of 4 stars; one submission).

Submission:

Ambry Genetics
Classification: Uncertain significance. Last evaluated: 2023-08-30. Review status: criteria provided, single submitter. Criteria: Ambry Variant Classification Scheme 2023. Collection method: clinical testing. Allele origin: germline.
Comment: The p.P358S variant (also known as c.1072C>T), located in coding exon 3 of the EGLN1 gene, results from a C to T substitution at nucleotide position 1072. The proline at codon 358 is replaced by serine, an amino acid with similar properties. This amino acid position is conserved. In addition, this alteration is predicted to be deleterious by in silico analysis. Since supporting evidence is limited at this time, the clinical significance of this alteration remains unclear.

NM_022051.3(EGLN1):c.1072C>T (p.Pro358Ser)

Gene: EGLN1 (egl-9 family hypoxia inducible factor 1; minus strand). Cytogenetic location: 1q42.2.
Variant type: single nucleotide variant.
Coding change: c.1072C>T on transcript NM_022051.3 (MANE Select); coding-DNA position 1072, C replaced by T.
Protein change: p.Pro358Ser; replaces proline 358 with serine.
Molecular consequence: missense variant. On other transcripts: intron variant (1).
Genome position (GRCh38, 1-based): chr1:231,370,638, G>A on the plus strand (C>T on the coding strand, the complement: EGLN1 is on the minus strand). VCF-style: chr1-231370638-G-A. GRCh37 (hg19) VCF-style: chr1-231506384-G-A.
Other names: c.1072C>T, p.Pro358Ser (NM_001377260.1); c.1012-3002C>T (NM_001377261.1); short protein forms P358S.
Identifiers: ClinVar variation 2626709 (VCV002626709.2), dbSNP rs2527228395, ClinGen allele CA345240388.